The following is an entry in ClinVar:

ClinVar aggregate classification (germline): Uncertain significance (1 of 4 stars; one submission).

Conditions:
Niemann-Pick disease, type C1. Also called: NEUROVISCERAL STORAGE DISEASE WITH VERTICAL SUPRANUCLEAR OPHTHALMOPLEGIA; NIEMANN-PICK DISEASE WITH CHOLESTEROL ESTERIFICATION BLOCK; NIEMANN-PICK DISEASE WITHOUT SPHINGOMYELINASE DEFICIENCY; NIEMANN-PICK DISEASE, CHRONIC NEURONOPATHIC FORM; NIEMANN-PICK DISEASE, VARIANT TYPE C1. Identifiers: Orphanet 646, MedGen C3179455, MONDO:0009757, OMIM 257220.

Allele frequency attached by ClinVar (database versions not stated): ExAC 0.00002; gnomAD 0.00002; TOPMed 0.00004.
gnomAD v4.1: 5 of 1,613,710 alleles (0.00031%); highest among the groups gnomAD compares: African/African-American, 0.0053%; no homozygotes.

Submission:

Labcorp Genetics (formerly Invitae), Labcorp
Classification: Uncertain significance for Niemann-Pick disease, type C1. Last evaluated: 2022-03-06. Review status: criteria provided, single submitter. Criteria: Invitae Variant Classification Sherloc (09022015). Collection method: clinical testing. Allele origin: germline.
Comment: This sequence change replaces glycine, which is neutral and non-polar, with serine, which is neutral and polar, at codon 1146 of the NPC1 protein (p.Gly1146Ser). This variant is present in population databases (rs780006718, gnomAD 0.02%). This variant has not been reported in the literature in individuals affected with NPC1-related conditions. Algorithms developed to predict the effect of missense changes on protein structure and function (SIFT, PolyPhen-2, Align-GVGD) all suggest that this variant is likely to be tolerated. In summary, the available evidence is currently insufficient to determine the role of this variant in disease. Therefore, it has been classified as a Variant of Uncertain Significance.

NM_000271.5(NPC1):c.3436G>A (p.Gly1146Ser)

Gene: NPC1 (NPC intracellular cholesterol transporter 1; minus strand). Cytogenetic location: 18q11.2.
Variant type: single nucleotide variant.
Coding change: c.3436G>A on transcript NM_000271.5 (MANE Select); coding-DNA position 3436, G replaced by A.
Protein change: p.Gly1146Ser; replaces glycine 1146 with serine.
Molecular consequence: missense variant.
Genome position (GRCh38, 1-based): chr18:23,535,510, C>T on the plus strand (G>A on the coding strand, the complement: NPC1 is on the minus strand). VCF-style: chr18-23535510-C-T. GRCh37 (hg19) VCF-style: chr18-21115474-C-T.
Other names: short protein forms G1146S.
Identifiers: ClinVar variation 1987325 (VCV001987325.1), dbSNP rs780006718, ClinGen allele CA8912779.